The following is an entry in ClinVar:

NM_007294.4(BRCA1):c.1360A>T (p.Ser454Cys)

Gene: BRCA1 (BRCA1 DNA repair associated; minus strand). Cytogenetic location: 17q21.31.
Variant type: single nucleotide variant.
Coding change: c.1360A>T on transcript NM_007294.4 (MANE Select); coding-DNA position 1360, A replaced by T.
Protein change: p.Ser454Cys; replaces serine 454 with cysteine.
Molecular consequence: missense variant. On other transcripts: intron variant (137).
Genome position (GRCh38, 1-based): chr17:43,094,171, T>A on the plus strand (A>T on the coding strand, the complement: BRCA1 is on the minus strand). VCF-style: chr17-43094171-T-A. GRCh37 (hg19) VCF-style: chr17-41246188-T-A.
Other names: c.1096A>T, p.Ser366Cys (NM_001407928.1, NM_001407929.1, NM_001407933.1 and 9 more transcripts); c.1093A>T, p.Ser365Cys (NM_001407930.1, NM_001407931.1, NM_001407934.1 and 2 more transcripts); c.976A>T, p.Ser326Cys (NM_001407962.1); c.979A>T, p.Ser327Cys (NM_001407963.1, NM_001407959.1, NM_001407960.1); c.1216A>T, p.Ser406Cys (NM_001407964.1, NM_001407740.1, NM_001407741.1 and 20 more transcripts); c.856A>T, p.Ser286Cys (NM_001407965.1); c.1147A>T, p.Ser383Cys (NM_001407571.1, NM_001407853.1, NM_001407894.1 and 9 more transcripts); c.472A>T, p.Ser158Cys (NM_001407966.1, NM_001407967.1); and 40 more; short protein forms S158C, S342C, S384C, S427C, S451C, S286C, S326C, S343C.
Identifiers: ClinVar variation 3481825 (VCV003481825.1).
Genomic context (GRCh38, chr17:43,094,171, plus strand): 5'-AGTTGGGGAGGCTTGCCTTCTTCCGATAGGTTTTCCCAAATATTTTGTCTTCAATATTAC[T>A]CTCTACTGATTTGGAGTGAACTCTTTCACTTTTACATATTAAAGCCTCATGAGGATCACT-3'
Protein context (NP_009225.1, residues 444-464): SERVHSKSVE[Ser454Cys]NIEDKIFGKT

ClinVar aggregate classification (germline): Uncertain significance (1 of 4 stars; one submission).

Conditions:
Hereditary cancer-predisposing syndrome. Also called: Tumor predisposition; Neoplastic Syndromes, Hereditary; Hereditary Cancer Syndrome; Hereditary neoplastic syndrome. Identifiers: Orphanet 140162, MedGen C0027672, MeSH D009386, MONDO:0015356.

Submission:

Ambry Genetics
Classification: Uncertain significance for Hereditary cancer-predisposing syndrome. Last evaluated: 2024-07-07. Review status: criteria provided, single submitter. Criteria: Ambry Variant Classification Scheme 2023. Collection method: clinical testing. Allele origin: germline.
Comment: The p.S454C variant (also known as c.1360A>T), located in coding exon 9 of the BRCA1 gene, results from an A to T substitution at nucleotide position 1360. The serine at codon 454 is replaced by cysteine, an amino acid with dissimilar properties. This amino acid position is conserved. In addition, the in silico prediction for this alteration is inconclusive. Based on the available evidence, the clinical significance of this variant remains unclear.